The following is an entry in ClinVar:

NM_001375405.1(CEP120):c.610C>A (p.Gln204Lys)

Gene: CEP120 (centrosomal protein 120; minus strand). Cytogenetic location: 5q23.2.
Variant type: single nucleotide variant.
Coding change: c.610C>A on transcript NM_001375405.1 (MANE Select); coding-DNA position 610, C replaced by A.
Protein change: p.Gln204Lys; replaces glutamine 204 with lysine.
Molecular consequence: missense variant. On other transcripts: non-coding transcript variant (1).
Genome position (GRCh38, 1-based): chr5:123,399,138, G>T on the plus strand (C>A on the coding strand, the complement: CEP120 is on the minus strand). VCF-style: chr5-123399138-G-T. GRCh37 (hg19) VCF-style: chr5-122734832-G-T.
Other names: c.610C>A (NM_153223.3); c.532C>A, p.Gln178Lys (NM_001166226.2); c.610C>A, p.Gln204Lys (NM_001375406.1, NM_001375407.1, NM_153223.4); c.37C>A, p.Gln13Lys (NM_001375408.1, NM_001375409.1); short protein forms Q13K, Q178K, Q204K.
Identifiers: ClinVar variation 1600004 (VCV001600004.34), dbSNP rs548355953, ClinGen allele CA3387194.

ClinVar aggregate classification (germline): Benign/Likely benign. Review status: criteria provided, multiple submitters, no conflicts (2 of 4 stars). 5 submissions from 5 submitters: Benign (2); Likely benign (2). 1 of the submissions does not count toward it. Last evaluated 2025-12-17.

Conditions:
Short-rib thoracic dysplasia 13 with or without polydactyly (SRTD13). Identifiers: Orphanet 474, MedGen C4225378, MONDO:0014577, OMIM 616300.
CEP120-related disorder. Also called: CEP120-related condition; CEP120-Related Disorders.
Inborn genetic diseases. Identifiers: MedGen C0950123, MeSH D030342.

Allele frequency attached by ClinVar (database versions not stated): gnomAD 0.00006 and 0.00017; TOPMed 0.00011; gnomAD exomes 0.00058; ExAC 0.00071; 1000 Genomes Project 30x 0.00094; 1000 Genomes Project 0.00120.
gnomAD v4.1: 512 of 1,604,478 alleles (0.032%); highest among the groups gnomAD compares: South Asian, 0.41%; 6 homozygotes.

Submissions (5):

Labcorp Genetics (formerly Invitae), Labcorp
Classification: Benign for Short-rib thoracic dysplasia 13 with or without polydactyly. Last evaluated: 2025-12-17. Review status: criteria provided, single submitter. Criteria: Invitae Variant Classification Sherloc (09022015). Collection method: clinical testing. Allele origin: germline.

Blueprint Genetics
Classification: Benign. Last evaluated: 2024-10-16. Review status: criteria provided, single submitter. Criteria: ACMG Guidelines, 2015. Collection method: clinical testing. Allele origin: germline.

CeGaT Center for Human Genetics Tuebingen
Classification: Likely benign. Last evaluated: 2023-11-01. Review status: criteria provided, single submitter. Criteria: CeGaT Center For Human Genetics Tuebingen Variant Classification Criteria Version 2. Collection method: clinical testing. Allele origin: germline. Affected: yes. Observed: 1 variant allele.
Comment: CEP120: BS1

Ambry Genetics
Classification: Likely benign for Inborn genetic diseases. Last evaluated: 2022-07-05. Review status: criteria provided, single submitter. Criteria: Ambry Variant Classification Scheme 2023. Collection method: clinical testing. Allele origin: germline.

PreventionGenetics, part of Exact Sciences
Classification: Likely benign for CEP120-related condition. Last evaluated: 2022-08-22. Review status: no assertion criteria provided. Collection method: clinical testing. Allele origin: germline. Not counted in ClinVar's aggregate classification.
Comment: This variant is classified as likely benign based on ACMG/AMP sequence variant interpretation guidelines (Richards et al. 2015 PMID: 25741868, with internal and published modifications).